The following is an entry in ClinVar:

NM_020989.4(CRYGC):c.230G>A (p.Arg77His)

Genes: CRYGC (crystallin gamma C; minus strand), LOC100507443 (uncharacterized LOC100507443; plus strand). Cytogenetic location: 2q33.3.
Variant type: single nucleotide variant.
Coding change: c.230G>A on transcript NM_020989.4 (MANE Select); coding-DNA position 230, G replaced by A.
Protein change: p.Arg77His; replaces arginine 77 with histidine.
Molecular consequence: missense variant.
Genome position (GRCh38, 1-based): chr2:208,129,463, C>T on the plus strand (G>A on the coding strand, the complement: CRYGC is on the minus strand). VCF-style: chr2-208129463-C-T. GRCh37 (hg19) VCF-style: chr2-208994187-C-T.
Other names: short protein forms R77H.
Identifiers: ClinVar variation 2359889 (VCV002359889.6), dbSNP rs201699850, ClinGen allele CA2077917.

ClinVar aggregate classification (germline): Uncertain significance. Review status: criteria provided, multiple submitters, no conflicts (2 of 4 stars). 2 submissions from 2 submitters: Uncertain significance (2). Last evaluated 2025-08-08.

Conditions:
Inborn genetic diseases. Identifiers: MedGen C0950123, MeSH D030342.
Nuclear pulverulent cataract (CTRCT2). Identifiers: MedGen C1852438, HP:0010698.

Allele frequency attached by ClinVar (database versions not stated): ESP Exome Variant Server 0.00008.

Submissions (2):

Ambry Genetics
Classification: Uncertain significance for Inborn genetic diseases. Last evaluated: 2025-08-08. Review status: criteria provided, single submitter. Criteria: Ambry Variant Classification Scheme 2023. Collection method: clinical testing. Allele origin: germline.

Labcorp Genetics (formerly Invitae), Labcorp
Classification: Uncertain significance for Nuclear pulverulent cataract. Last evaluated: 2024-10-17. Review status: criteria provided, single submitter. Criteria: Invitae Variant Classification Sherloc (09022015). Collection method: clinical testing. Allele origin: germline.
Comment: This sequence change replaces arginine, which is basic and polar, with histidine, which is basic and polar, at codon 77 of the CRYGC protein (p.Arg77His). This variant is present in population databases (rs201699850, gnomAD 0.02%). This variant has not been reported in the literature in individuals affected with CRYGC-related conditions. ClinVar contains an entry for this variant (Variation ID: 2359889). An algorithm developed to predict the effect of missense changes on protein structure and function (PolyPhen-2) suggests that this variant is likely to be disruptive. In summary, the available evidence is currently insufficient to determine the role of this variant in disease. Therefore, it has been classified as a Variant of Uncertain Significance.